The following is an entry in ClinVar:

NM_017849.4(TMEM127):c.7del (p.Ala3fs)

Genes: TMEM127 (transmembrane protein 127; minus strand), LOC129934333 (ATAC-STARR-seq lymphoblastoid silent region 11759; plus strand). Cytogenetic location: 2q11.2.
Variant type: Deletion.
Coding change: c.7del on transcript NM_017849.4 (MANE Select); coding-DNA position 7, one base deleted (G; older notation c.7delG).
Protein change: p.Ala3fs; shifts the reading frame from alanine 3.
Molecular consequence: frameshift variant.
Genome position (GRCh38, 1-based): chr2:96,265,375, C deleted on the plus strand (G on the coding strand, the reverse complement: TMEM127 is on the minus strand). VCF-style (leftmost placement, unchanged base first): chr2-96265374-GC-G. GRCh37 (hg19) VCF-style: chr2-96931112-GC-G.
Other names: c.7del, p.Ala3fs (NM_001193304.3); c.7delG (NM_017849.3); short protein forms A3fs.
Identifiers: ClinVar variation 569937 (VCV000569937.7), dbSNP rs1558756727, ClinGen allele CA891842994.

ClinVar aggregate classification (germline): Pathogenic (1 of 4 stars; one submission).

Conditions:
Hereditary pheochromocytoma and paraganglioma. Also called: Hereditary Paraganglioma-Pheochromocytoma Syndromes; Hereditary paragangliomas and pheochromocytomas; Hereditary pheochromocytoma-paraganglioma. Identifiers: Orphanet 29072, MedGen C4274332, MONDO:0017366.

Submission:

Labcorp Genetics (formerly Invitae), Labcorp
Classification: Pathogenic for Hereditary pheochromocytoma and paraganglioma. Last evaluated: 2020-04-15. Review status: criteria provided, single submitter. Criteria: Invitae Variant Classification Sherloc (09022015). Collection method: clinical testing. Allele origin: germline.
Comment: This sequence change creates a premature translational stop signal (p.Ala3Profs*78) in the TMEM127 gene. It is expected to result in an absent or disrupted protein product. While this variant is not present in population databases, the frequency information is unreliable, as metrics indicate poor data quality at this position in the ExAC database. This variant has not been reported in the literature in individuals with TMEM127-related disease. Loss-of-function variants in TMEM127 are known to be pathogenic (PMID: 20154675, 21156949). For these reasons, this variant has been classified as Pathogenic.

Literature cited by the submitters: PubMed 20154675; PubMed 21156949.